The following is an entry in ClinVar:

ClinVar aggregate classification (germline): Uncertain significance (1 of 4 stars; one submission).

Submission:

Labcorp Genetics (formerly Invitae), Labcorp
Classification: Uncertain significance. Last evaluated: 2024-10-25. Review status: criteria provided, single submitter. Criteria: Invitae Variant Classification Sherloc (09022015). Collection method: clinical testing. Allele origin: germline.
Comment: This sequence change replaces glycine, which is neutral and non-polar, with arginine, which is basic and polar, at codon 156 of the FRMD7 protein (p.Gly156Arg). This variant is not present in population databases (gnomAD no frequency). This variant has not been reported in the literature in individuals affected with FRMD7-related conditions. ClinVar contains an entry for this variant (Variation ID: 2096080). An algorithm developed to predict the effect of missense changes on protein structure and function (PolyPhen-2) suggests that this variant is likely to be tolerated. In summary, the available evidence is currently insufficient to determine the role of this variant in disease. Therefore, it has been classified as a Variant of Uncertain Significance.

NM_194277.3(FRMD7):c.466G>C (p.Gly156Arg)

Gene: FRMD7 (FERM domain containing 7; minus strand). Cytogenetic location: Xq26.2.
Variant type: single nucleotide variant.
Coding change: c.466G>C on transcript NM_194277.3 (MANE Select); coding-DNA position 466, G replaced by C.
Protein change: p.Gly156Arg; replaces glycine 156 with arginine.
Molecular consequence: missense variant.
Genome position (GRCh38, 1-based): chrX:132,085,951, C>G on the plus strand (G>C on the coding strand, the complement: FRMD7 is on the minus strand). VCF-style: chrX-132085951-C-G. GRCh37 (hg19) VCF-style: chrX-131219979-C-G.
Other names: c.421G>C, p.Gly141Arg (NM_001306193.2); short protein forms G156R, G141R.
Identifiers: ClinVar variation 2096080 (VCV002096080.4), dbSNP rs1427448594, ClinGen allele CA414681343.